The following is an entry in ClinVar:

NC_000022.11:g.20366714C>T

Gene: USP41 (ubiquitin specific peptidase 41; minus strand). Cytogenetic location: 22q11.21.
Variant type: single nucleotide variant.
Genome position: GRCh38 VCF-style: chr22-20366714-C-T. GRCh37 (hg19) VCF-style: chr22-20721004-C-T.
Identifiers: ClinVar variation 4534233 (VCV004534233.6).

ClinVar aggregate classification (germline): Likely benign (1 of 4 stars; one submission).

Submission:

CeGaT Center for Human Genetics Tuebingen
Classification: Likely benign. Last evaluated: 2025-10-01. Review status: criteria provided, single submitter. Criteria: CeGaT Center For Human Genetics Tuebingen Variant Classification Criteria Version 2. Collection method: clinical testing. Allele origin: germline. Affected: yes. Observed: 1 variant allele.
Comment: USP41P: BP4, BP7